The following is an entry in ClinVar:

NM_022455.5(NSD1):c.4509G>T (p.Met1503Ile)

Gene: NSD1 (nuclear receptor binding SET domain protein 1; plus strand). Cytogenetic location: 5q35.3.
Variant type: single nucleotide variant.
Coding change: c.4509G>T on transcript NM_022455.5 (MANE Select); coding-DNA position 4509, G replaced by T.
Protein change: p.Met1503Ile; replaces methionine 1503 with isoleucine.
Molecular consequence: missense variant.
Genome position (GRCh38, 1-based): chr5:177,248,192, G>T. VCF-style: chr5-177248192-G-T. GRCh37 (hg19) VCF-style: chr5-176675193-G-T.
Other names: c.3636G>T, p.Met1212Ile (NM_001365684.2, NM_001409306.1, NM_001409307.1 and 3 more transcripts); c.4509G>T, p.Met1503Ile (NM_001409301.1, NM_001409302.1, NM_001409303.1); c.4089G>T, p.Met1363Ile (NM_001409304.1); c.3756G>T, p.Met1252Ile (NM_001409305.1); short protein forms M1212I, M1252I, M1363I, M1503I.
Identifiers: ClinVar variation 2636426 (VCV002636426.1), dbSNP rs199574095, ClinGen allele CA362349435.
Genomic context (GRCh38, chr5:177,248,192, plus strand): 5'-GAAGAGACATCAATAATACAGATGTGGGACATTATTTTTTCTTTGCAAGGGAGAACTAAT[G>T]CCTCACAGGACGGCCACAAGCCCCAAGGAGACTGTTGAGGAAGGTGTAGAACACGATCCC-3'
Protein context (NP_071900.2, residues 1493-1513): KEIPGSEGEL[Met1503Ile]PHRTATSPKE

ClinVar aggregate classification (germline): Uncertain significance (1 of 4 stars; one submission).

Conditions:
NSD1-related disorder. Also called: NSD1-related condition.

Submission:

PreventionGenetics, part of Exact Sciences
Classification: Uncertain significance for NSD1-related condition. Last evaluated: 2023-08-09. Review status: criteria provided, single submitter. Criteria: ACMG Guidelines, 2015. Collection method: clinical testing. Allele origin: germline.
Comment: The NSD1 c.4509G>T variant is predicted to result in the amino acid substitution p.Met1503Ile. To our knowledge, this variant has not been reported in the literature or in a large population database, indicating this variant is rare. At this time, the clinical significance of this variant is uncertain due to the absence of conclusive functional and genetic evidence.